The following is an entry in ClinVar:

NM_001005242.3(PKP2):c.1170+4_1170+5del

Gene: PKP2 (plakophilin 2; minus strand). Cytogenetic location: 12p11.21.
Variant type: Deletion.
Coding change: c.1170+4_1170+5del on transcript NM_001005242.3 (MANE Select); bases 4 to 5 of the intron after coding-DNA position 1170, 2 bases deleted (AG; older notation c.1170+4_1170+5delAG).
Molecular consequence: intron variant.
Genome position (GRCh38, 1-based): chr12:32,868,922-32,868,923, CT deleted on the plus strand (AG on the coding strand, the reverse complement: PKP2 is on the minus strand); deleting any 2 consecutive bases within chr12:32,868,922-32,868,924 gives the same sequence; the c. name uses the placement nearest the transcript's 3' end. VCF-style (leftmost placement, unchanged base first): chr12-32868921-ACT-A. GRCh37 (hg19) VCF-style: chr12-33021855-ACT-A.
Other names: c.1170+4_1170+5del (NM_004572.4); c.1170+4_1170+5delAG (NM_004572.3).
Identifiers: ClinVar variation 1515615 (VCV001515615.7), dbSNP rs2137919094, ClinGen allele CA2573148517.

ClinVar aggregate classification (germline): Uncertain significance. Review status: criteria provided, multiple submitters, no conflicts (2 of 4 stars). 2 submissions from 2 submitters: Uncertain significance (2). Last evaluated 2026-09-10.

Conditions:
Cardiovascular phenotype. Identifiers: MedGen CN230736.
Arrhythmogenic right ventricular dysplasia 9 (ARVD9). Also called: Arrhythmogenic Right Ventricular Dysplasia/Cardiomyopathy 9; ARRHYTHMOGENIC RIGHT VENTRICULAR DYSPLASIA, FAMILIAL, 9. Identifiers: MedGen C1836906, MONDO:0012180, OMIM 609040.

Submissions (2):

Ambry Genetics
Classification: Uncertain significance for Cardiovascular phenotype. Last evaluated: 2026-09-10. Review status: criteria provided, single submitter. Criteria: Ambry Variant Classification Scheme 2023. Collection method: clinical testing. Allele origin: germline.
Comment: The c.1170+4_1170+5delAG intronic variant, located in intron 4 of the PKP2 gene, results from a deletion of two nucleotides within intron 4 of the PKP2 gene. This nucleotide region is highly conserved in available vertebrate species. In silico splice site analysis predicts that this alteration may weaken the native splice donor site. Based on the available evidence, the clinical significance of this variant remains unclear.

Labcorp Genetics (formerly Invitae), Labcorp
Classification: Uncertain significance for Arrhythmogenic right ventricular dysplasia 9. Last evaluated: 2023-04-20. Review status: criteria provided, single submitter. Criteria: Invitae Variant Classification Sherloc (09022015). Collection method: clinical testing. Allele origin: germline.
Comment: This sequence change falls in intron 4 of the PKP2 gene. It does not directly change the encoded amino acid sequence of the PKP2 protein. It affects a nucleotide within the consensus splice site. This variant is not present in population databases (gnomAD no frequency). This variant has not been reported in the literature in individuals affected with PKP2-related conditions. ClinVar contains an entry for this variant (Variation ID: 1515615). Variants that disrupt the consensus splice site are a relatively common cause of aberrant splicing (PMID: 17576681, 9536098). Algorithms developed to predict the effect of sequence changes on RNA splicing suggest that this variant may disrupt the consensus splice site. In summary, the available evidence is currently insufficient to determine the role of this variant in disease. Therefore, it has been classified as a Variant of Uncertain Significance.

Literature cited by the submitters: PubMed 17576681 (cited by Labcorp Genetics (formerly Invitae), Labcorp); PubMed 9536098 (cited by Labcorp Genetics (formerly Invitae), Labcorp).